The following is an entry in ClinVar:

ClinVar aggregate classification (germline): Benign/Likely benign. Review status: criteria provided, multiple submitters, no conflicts (2 of 4 stars). 3 submissions from 3 submitters: Benign (1); Likely benign (2). Last evaluated 2025-01-08.

Conditions:
Hereditary nonpolyposis colorectal neoplasms. Identifiers: MedGen C0009405, MeSH D003123.
Hereditary cancer-predisposing syndrome. Also called: Hereditary Cancer Syndrome; Hereditary neoplastic syndrome; Neoplastic Syndromes, Hereditary; Tumor predisposition. Identifiers: Orphanet 140162, MedGen C0027672, MeSH D009386, MONDO:0015356.
Lynch syndrome 5 (LYNCH5). Also called: Hereditary non-polyposis colorectal cancer, type 5; Colorectal cancer, hereditary nonpolyposis, type 5. Identifiers: Orphanet 144, MedGen C1833477, MONDO:0013710, OMIM 614350. Disease mechanism: loss of function.

Submissions (3):

Myriad Genetics, Inc.
Classification: Benign for Lynch syndrome 5. Last evaluated: 2025-01-08. Review status: criteria provided, single submitter. Criteria: Myriad Autosomal Dominant, Autosomal Recessive and X-Linked Classification Criteria (2023). Collection method: clinical testing. Allele origin: unknown.
Comment: This variant is considered benign. This variant is a silent/synonymous amino acid change and it is not expected to impact splicing.

Labcorp Genetics (formerly Invitae), Labcorp
Classification: Likely benign for Hereditary nonpolyposis colorectal neoplasms. Last evaluated: 2022-09-23. Review status: criteria provided, single submitter. Criteria: Invitae Variant Classification Sherloc (09022015). Collection method: clinical testing. Allele origin: germline.

Ambry Genetics
Classification: Likely benign for Hereditary cancer-predisposing syndrome. Last evaluated: 2021-12-05. Review status: criteria provided, single submitter. Criteria: Ambry Variant Classification Scheme 2023. Collection method: clinical testing. Allele origin: germline.

NM_000179.3(MSH6):c.3819T>C (p.Asn1273=)

Gene: MSH6 (mutS homolog 6; plus strand). Cytogenetic location: 2p16.3.
Variant type: single nucleotide variant.
Coding change: c.3819T>C on transcript NM_000179.3 (MANE Select); coding-DNA position 3819, T replaced by C.
Protein change: p.Asn1273=; no amino-acid change (asparagine 1273 retained).
Molecular consequence: synonymous variant.
Genome position (GRCh38, 1-based): chr2:47,806,469, T>C. VCF-style: chr2-47806469-T-C. GRCh37 (hg19) VCF-style: chr2-48033608-T-C.
Other names: c.3429T>C, p.Asn1143= (NM_001281492.2); c.2913T>C, p.Asn971= (NM_001281493.2, NM_001281494.2).
Identifiers: ClinVar variation 455292 (VCV000455292.14), dbSNP rs759642651, ClinGen allele CA426122109.